The following is an entry in ClinVar:

ClinVar aggregate classification (germline): Uncertain significance. Review status: criteria provided, multiple submitters, no conflicts (2 of 4 stars). 2 submissions from 2 submitters: Uncertain significance (2). Last evaluated 2025-10-24.

Allele frequency attached by ClinVar (database versions not stated): gnomAD exomes below 0.00001; TOPMed below 0.00001; gnomAD 0.00001.
gnomAD v4.1: 3 of 1,613,342 alleles (0.00019%); highest among the groups gnomAD compares: Admixed American, 0.0017%; no homozygotes.

Submissions (2):

Ambry Genetics
Classification: Uncertain significance. Last evaluated: 2025-10-24. Review status: criteria provided, single submitter. Criteria: Ambry Variant Classification Scheme 2023. Collection method: clinical testing. Allele origin: germline.

Labcorp Genetics (formerly Invitae), Labcorp
Classification: Uncertain significance. Last evaluated: 2023-12-31. Review status: criteria provided, single submitter. Criteria: Invitae Variant Classification Sherloc (09022015). Collection method: clinical testing. Allele origin: germline.
Comment: This sequence change replaces glycine, which is neutral and non-polar, with cysteine, which is neutral and slightly polar, at codon 51 of the MTMR14 protein (p.Gly51Cys). This variant is not present in population databases (gnomAD no frequency). This variant has not been reported in the literature in individuals affected with MTMR14-related conditions. An algorithm developed to predict the effect of missense changes on protein structure and function (PolyPhen-2) suggests that this variant is likely to be disruptive. In summary, the available evidence is currently insufficient to determine the role of this variant in disease. Therefore, it has been classified as a Variant of Uncertain Significance.

NM_001077525.3(MTMR14):c.151G>T (p.Gly51Cys)

Gene: MTMR14 (myotubularin related protein 14; plus strand). Cytogenetic location: 3p25.3.
Variant type: single nucleotide variant.
Coding change: c.151G>T on transcript NM_001077525.3 (MANE Select); coding-DNA position 151, G replaced by T.
Protein change: p.Gly51Cys; replaces glycine 51 with cysteine.
Molecular consequence: missense variant. On other transcripts: synonymous variant (7), 5 prime UTR variant (16), non-coding transcript variant (9).
Genome position (GRCh38, 1-based): chr3:9,649,734, G>T. VCF-style: chr3-9649734-G-T. GRCh37 (hg19) VCF-style: chr3-9691418-G-T.
Other names: c.151G>T, p.Gly51Cys (NM_001077526.3, NM_001400519.1, NM_001400520.1 and 9 more transcripts); c.18G>T, p.Ala6= (NM_001400518.1, NM_001400521.1, NM_001400525.1 and 4 more transcripts); c.-355G>T (NM_001400533.1, NM_001400539.1, NM_001400545.1); c.-416G>T (NM_001400534.1, NM_001400538.1, NM_001400541.1 and 2 more transcripts); c.-206G>T (NM_001400535.1); c.-383G>T (NM_001400540.1); c.-618G>T (NM_001400542.1); c.-177G>T (NM_001400543.1); and 5 more; short protein forms G51C.
Identifiers: ClinVar variation 2831150 (VCV002831150.4), dbSNP rs1257137541, ClinGen allele CA351803921.
Genomic context (GRCh38, chr3:9,649,734, plus strand): 5'-GAGCTGCTGGAGGAGTTCTCCCGGACTCAGTACCGGGCCAAGGATGGCAGCGGGACCGGC[G>T]GCTCTAAGGTGAGATTGGAGGTGCGATGAGCTGGGGAAGGCTCCTAACTTGGGAAGTTAC-3'
Protein context (NP_001070993.1, residues 41-61): YRAKDGSGTG[Gly51Cys]SKVERIEKRC